The following is an entry in ClinVar:

NM_005356.5(LCK):c.803C>T (p.Thr268Met)

Gene: LCK (LCK proto-oncogene, Src family tyrosine kinase; plus strand). Cytogenetic location: 1p35.2.
Variant type: single nucleotide variant.
Coding change: c.803C>T on transcript NM_005356.5 (MANE Select); coding-DNA position 803, C replaced by T.
Protein change: p.Thr268Met; replaces threonine 268 with methionine.
Molecular consequence: missense variant.
Genome position (GRCh38, 1-based): chr1:32,276,625, C>T. VCF-style: chr1-32276625-C-T. GRCh37 (hg19) VCF-style: chr1-32742226-C-T.
Other names: c.803C>T, p.Thr268Met (NM_001042771.3); c.650C>T, p.Thr217Met (NM_001330468.2); short protein forms T268M, T217M.
Identifiers: ClinVar variation 580430 (VCV000580430.10), dbSNP rs1557585827, ClinGen allele CA339639591.

ClinVar aggregate classification (germline): Uncertain significance (1 of 4 stars; one submission).

Conditions:
Severe combined immunodeficiency due to LCK deficiency. Also called: Immunodeficiency 22. Identifiers: Orphanet 280142, MedGen C4014233, MONDO:0014334, OMIM 615758.

Allele frequency attached by ClinVar (database versions not stated): TOPMed below 0.00001.
gnomAD v4.1: 1 of 1,612,260 alleles (0.000062%); highest among the groups gnomAD compares: African/African-American, 0.0013%; no homozygotes.

Submission:

Labcorp Genetics (formerly Invitae), Labcorp
Classification: Uncertain significance for Severe combined immunodeficiency due to LCK deficiency. Last evaluated: 2019-06-26. Review status: criteria provided, single submitter. Criteria: Invitae Variant Classification Sherloc (09022015). Collection method: clinical testing. Allele origin: germline.
Comment: In summary, the available evidence is currently insufficient to determine the role of this variant in disease. Therefore, it has been classified as a Variant of Uncertain Significance. Algorithms developed to predict the effect of missense changes on protein structure and function (SIFT, PolyPhen-2, Align-GVGD) all suggest that this variant is likely to be disruptive, but these predictions have not been confirmed by published functional studies and their clinical significance is uncertain. This variant has not been reported in the literature in individuals with LCK-related disease. This variant is not present in population databases (ExAC no frequency). This sequence change replaces threonine with methionine at codon 268 of the LCK protein (p.Thr268Met). The threonine residue is highly conserved and there is a moderate physicochemical difference between threonine and methionine.